The following is an entry in ClinVar:

NM_000891.3(KCNJ2):c.381C>G (p.Asn127Lys)

Gene: KCNJ2 (potassium inwardly rectifying channel subfamily J member 2; plus strand). Cytogenetic location: 17q24.3.
Variant type: single nucleotide variant.
Coding change: c.381C>G on transcript NM_000891.3 (MANE Select); coding-DNA position 381, C replaced by G.
Protein change: p.Asn127Lys; replaces asparagine 127 with lysine.
Molecular consequence: missense variant.
Genome position (GRCh38, 1-based): chr17:70,175,420, C>G. VCF-style: chr17-70175420-C-G. GRCh37 (hg19) VCF-style: chr17-68171561-C-G.
Other names: short protein forms N127K.
Identifiers: ClinVar variation 3757772 (VCV003757772.2).
Genomic context (GRCh38, chr17:70,175,420, plus strand): 5'-TCTGCTCCATGGGGACCTGGATGCATCCAAAGAGGGCAAAGCTTGTGTGTCCGAGGTCAA[C>G]AGCTTCACGGCTGCCTTCCTCTTCTCCATTGAGACCCAGACAACCATAGGCTATGGTTTC-3'
Protein context (NP_000882.1, residues 117-137): KEGKACVSEV[Asn127Lys]SFTAAFLFSI

ClinVar aggregate classification (germline): Uncertain significance (1 of 4 stars; one submission).

Conditions:
Andersen Tawil syndrome (LQT7). Also called: ANDERSEN CARDIODYSRHYTHMIC PERIODIC PARALYSIS; LONG QT SYNDROME 7; PERIODIC PARALYSIS, POTASSIUM-SENSITIVE CARDIODYSRHYTHMIC TYPE; Andersen Syndrome; Potassium-sensitive periodic paralysis, ventricular ectopy, and dysmorphic features. Identifiers: Orphanet 37553, MedGen C1563715, MONDO:0008222, OMIM 170390.
Short QT syndrome type 3. Identifiers: Orphanet 51083, MedGen C1865018, MONDO:0012314, OMIM 609622.

Submission:

Labcorp Genetics (formerly Invitae), Labcorp
Classification: Uncertain significance for Short QT syndrome type 3; Andersen Tawil syndrome. Last evaluated: 2024-08-20. Review status: criteria provided, single submitter. Criteria: Invitae Variant Classification Sherloc (09022015). Collection method: clinical testing. Allele origin: germline.
Comment: This sequence change replaces asparagine, which is neutral and polar, with lysine, which is basic and polar, at codon 127 of the KCNJ2 protein (p.Asn127Lys). This variant is not present in population databases (gnomAD no frequency). This variant has not been reported in the literature in individuals affected with KCNJ2-related conditions. Invitae Evidence Modeling of protein sequence and biophysical properties (such as structural, functional, and spatial information, amino acid conservation, physicochemical variation, residue mobility, and thermodynamic stability) indicates that this missense variant is not expected to disrupt KCNJ2 protein function with a negative predictive value of 80%. In summary, the available evidence is currently insufficient to determine the role of this variant in disease. Therefore, it has been classified as a Variant of Uncertain Significance.